The following is an entry in ClinVar:

ClinVar aggregate classification (germline): Uncertain significance. Review status: criteria provided, multiple submitters, no conflicts (2 of 4 stars). 3 submissions from 3 submitters: Uncertain significance (3). Last evaluated 2026-01-26.

Conditions:
Inborn genetic diseases. Identifiers: MedGen C0950123, MeSH D030342.

Allele frequency attached by ClinVar (database versions not stated): gnomAD 0.00001; ESP Exome Variant Server 0.00008; TOPMed 0.00008.
gnomAD v4.1: 176 of 1,614,056 alleles (0.011%); highest among the groups gnomAD compares: Non-Finnish European, 0.014%; no homozygotes.

Submissions (3):

Labcorp Genetics (formerly Invitae), Labcorp
Classification: Uncertain significance. Last evaluated: 2026-01-26. Review status: criteria provided, single submitter. Criteria: Invitae Variant Classification Sherloc (09022015). Collection method: clinical testing. Allele origin: germline.
Comment: This sequence change replaces asparagine, which is neutral and polar, with lysine, which is basic and polar, at codon 1420 of the NLRP1 protein (p.Asn1420Lys). This variant is present in population databases (rs201878224, gnomAD 0.01%). This variant has not been reported in the literature in individuals affected with NLRP1-related conditions. ClinVar contains an entry for this variant (Variation ID: 1501105). An algorithm developed to predict the effect of missense changes on protein structure and function outputs the following: PolyPhen-2: "Benign". The lysine amino acid residue is found in multiple mammalian species, which suggests that this missense change does not adversely affect protein function. In summary, the available evidence is currently insufficient to determine the role of this variant in disease. Therefore, it has been classified as a Variant of Uncertain Significance.

Ambry Genetics
Classification: Uncertain significance for Inborn genetic diseases. Last evaluated: 2025-03-28. Review status: criteria provided, single submitter. Criteria: Ambry Variant Classification Scheme 2023. Collection method: clinical testing. Allele origin: germline.

Blueprint Genetics
Classification: Uncertain significance. Last evaluated: 2022-07-05. Review status: criteria provided, single submitter. Criteria: ACMG Guidelines, 2015. Collection method: clinical testing. Allele origin: germline.

NM_033004.4(NLRP1):c.4260C>A (p.Asn1420Lys)

Gene: NLRP1 (NLR family pyrin domain containing 1; minus strand). Cytogenetic location: 17p13.2.
Variant type: single nucleotide variant.
Coding change: c.4260C>A on transcript NM_033004.4 (MANE Select); coding-DNA position 4260, C replaced by A.
Protein change: p.Asn1420Lys; replaces asparagine 1420 with lysine.
Molecular consequence: missense variant. On other transcripts: intron variant (1).
Genome position (GRCh38, 1-based): chr17:5,514,916, G>T on the plus strand (C>A on the coding strand, the complement: NLRP1 is on the minus strand). VCF-style: chr17-5514916-G-T. GRCh37 (hg19) VCF-style: chr17-5418236-G-T.
Other names: c.4128C>A, p.Asn1376Lys (NM_014922.5); c.4170C>A, p.Asn1390Lys (NM_033006.4); c.4038C>A, p.Asn1346Lys (NM_033007.4); c.4069+2830C>A (NM_001033053.3); c.4260C>A (NM_033004.3); short protein forms N1376K, N1390K, N1346K, N1420K.
Identifiers: ClinVar variation 1501105 (VCV001501105.10), dbSNP rs201878224, ClinGen allele CA8326596.